The following is an entry in ClinVar:

NM_031263.4(HNRNPK):c.156+3A>G

Gene: HNRNPK (heterogeneous nuclear ribonucleoprotein K; minus strand). Cytogenetic location: 9q21.32.
Variant type: single nucleotide variant.
Coding change: c.156+3A>G on transcript NM_031263.4 (MANE Select); 3 bases into the intron after coding-DNA position 156, A replaced by G.
Molecular consequence: intron variant.
Genome position (GRCh38, 1-based): chr9:83,977,686, T>C on the plus strand (A>G on the coding strand, the complement: HNRNPK is on the minus strand). VCF-style: chr9-83977686-T-C. GRCh37 (hg19) VCF-style: chr9-86592601-T-C.
Other names: c.156+3A>G (NM_031262.4, NM_002140.5, NM_001318186.2 and 2 more transcripts).
Identifiers: ClinVar variation 3342319 (VCV003342319.1).
Genomic context (GRCh38, chr9:83,977,686, plus strand): 5'-ACCAGACCTTAATTTCTACCTGAGTATGAACCACCTTCAAATTTTCAAGAATAAAATTTA[T>C]ACCTTGCTCTGAAGCAGAATGCGTAATTCAACCATCTCATCAGTGTTTCTAGATCTTTTA-3'

ClinVar aggregate classification (germline): Uncertain significance (1 of 4 stars; one submission).

gnomAD v4.1: 3 of 1,562,848 alleles (0.00019%); highest among the groups gnomAD compares: Non-Finnish European, 0.00026%; no homozygotes.

Submission:

GeneDx
Classification: Uncertain significance. Last evaluated: 2024-03-25. Review status: criteria provided, single submitter. Criteria: GeneDx Variant Classification Process June 2021. Collection method: clinical testing. Allele origin: germline. Affected: yes.
Comment: Not observed at significant frequency in large population cohorts (gnomAD); In silico analysis supports a deleterious effect on splicing; Has not been previously published as pathogenic or benign to our knowledge